The following is an entry in ClinVar:

ClinVar aggregate classification (germline): Uncertain significance. Review status: criteria provided, multiple submitters, no conflicts (2 of 4 stars). 2 submissions from 2 submitters: Uncertain significance (2). Last evaluated 2025-12-15.

Allele frequency attached by ClinVar (database versions not stated): gnomAD 0.00001 and 0.00002; gnomAD exomes 0.00003 and 0.00014; TOPMed 0.00003; ExAC 0.00017.
gnomAD v4.1: 50 of 1,589,302 alleles (0.0031%); highest among the groups gnomAD compares: Admixed American, 0.04%; no homozygotes.

Submissions (2):

Ambry Genetics
Classification: Uncertain significance. Last evaluated: 2025-12-15. Review status: criteria provided, single submitter. Criteria: Ambry Variant Classification Scheme 2023. Collection method: clinical testing. Allele origin: germline.

Labcorp Genetics (formerly Invitae), Labcorp
Classification: Uncertain significance. Last evaluated: 2022-09-23. Review status: criteria provided, single submitter. Criteria: Invitae Variant Classification Sherloc (09022015). Collection method: clinical testing. Allele origin: germline.
Comment: This sequence change replaces arginine, which is basic and polar, with glutamine, which is neutral and polar, at codon 317 of the MYH7B protein (p.Arg317Gln). This variant is present in population databases (rs762071988, gnomAD 0.06%), and has an allele count higher than expected for a pathogenic variant. This variant has not been reported in the literature in individuals affected with MYH7B-related conditions. ClinVar contains an entry for this variant (Variation ID: 1426481). Advanced modeling of protein sequence and biophysical properties (such as structural, functional, and spatial information, amino acid conservation, physicochemical variation, residue mobility, and thermodynamic stability) performed at Invitae indicates that this missense variant is expected to disrupt MYH7B protein function. In summary, the available evidence is currently insufficient to determine the role of this variant in disease. Therefore, it has been classified as a Variant of Uncertain Significance.

NM_020884.7(MYH7B):c.824G>A (p.Arg275Gln)

Gene: MYH7B (myosin heavy chain 7B; plus strand). Cytogenetic location: 20q11.22.
Variant type: single nucleotide variant.
Coding change: c.824G>A on transcript NM_020884.7 (MANE Select); coding-DNA position 824, G replaced by A.
Protein change: p.Arg275Gln; replaces arginine 275 with glutamine.
Molecular consequence: missense variant.
Genome position (GRCh38, 1-based): chr20:34,986,118, G>A. VCF-style: chr20-34986118-G-A. GRCh37 (hg19) VCF-style: chr20-33573921-G-A.
Other names: c.950G>A (NM_020884.3); short protein forms R275Q.
Identifiers: ClinVar variation 1426481 (VCV001426481.7), dbSNP rs762071988, ClinGen allele CA9826679.
Genomic context (GRCh38, chr20:34,986,118, plus strand): 5'-GGGAGGTGTGGGAGATGGCAGGCCAGCGTCCCTTCTCCCCAGATCTCCTGGAGAAGTCGC[G>A]GGTGATCTTCCAGTTGCCTGGTGAGCGCAGCTACCATGTCTACTACCAGATCCTCTCAGG-3'
Protein context (NP_065935.4, residues 265-285): DIDSYLLEKS[Arg275Gln]VIFQLPGERS